The following is an entry in ClinVar:

NM_001458.5(FLNC):c.1069C>T (p.Gln357Ter)

Gene: FLNC (filamin C; plus strand). Cytogenetic location: 7q32.1.
Variant type: single nucleotide variant.
Coding change: c.1069C>T on transcript NM_001458.5 (MANE Select); coding-DNA position 1069, C replaced by T.
Protein change: p.Gln357Ter; replaces glutamine 357 with a stop codon.
Molecular consequence: nonsense.
Genome position (GRCh38, 1-based): chr7:128,838,288, C>T. VCF-style: chr7-128838288-C-T. GRCh37 (hg19) VCF-style: chr7-128478342-C-T.
Other names: c.1069C>T, p.Gln357Ter (NM_001127487.2); short protein forms Q357*.
Identifiers: ClinVar variation 1455294 (VCV001455294.8), dbSNP rs2128934390, ClinGen allele CA369223592.

ClinVar aggregate classification (germline): Pathogenic. Review status: criteria provided, multiple submitters, no conflicts (2 of 4 stars). 2 submissions from 2 submitters: Pathogenic (2). Last evaluated 2022-03-19.

Conditions:
Distal myopathy with posterior leg and anterior hand involvement. Also called: WILLIAMS DISTAL MYOPATHY. Identifiers: Orphanet 63273, MedGen C3279722, MONDO:0013550, OMIM 614065.
Hypertrophic cardiomyopathy 26. Also called: Cardiomyopathy, familial hypertrophic, 26. Identifiers: Orphanet 75249, MedGen C4310749, MONDO:0014883, OMIM 617047.
Myofibrillar myopathy 5. Also called: FILAMINOPATHY, AUTOSOMAL DOMINANT; Filaminopathy (type). Identifiers: Orphanet 171445, MedGen C1836050, MONDO:0012289, OMIM 609524.
Cardiovascular phenotype. Identifiers: MedGen CN230736.

Submissions (2):

Labcorp Genetics (formerly Invitae), Labcorp
Classification: Pathogenic for Distal myopathy with posterior leg and anterior hand involvement; Myofibrillar myopathy 5; Hypertrophic cardiomyopathy 26. Last evaluated: 2022-03-19. Review status: criteria provided, single submitter. Criteria: Invitae Variant Classification Sherloc (09022015). Collection method: clinical testing. Allele origin: germline.
Comment: For these reasons, this variant has been classified as Pathogenic. This variant has not been reported in the literature in individuals affected with FLNC-related conditions. This variant is not present in population databases (gnomAD no frequency). This sequence change creates a premature translational stop signal (p.Gln357*) in the FLNC gene. It is expected to result in an absent or disrupted protein product. Loss-of-function variants in FLNC are known to be pathogenic (PMID: 27908349).

Ambry Genetics
Classification: Pathogenic for Cardiovascular phenotype. Last evaluated: 2021-08-02. Review status: criteria provided, single submitter. Criteria: Ambry Variant Classification Scheme 2023. Collection method: clinical testing. Allele origin: germline.
Comment: The p.Q357* pathogenic mutation (also known as c.1069C>T), located in coding exon 7 of the FLNC gene, results from a C to T substitution at nucleotide position 1069. This changes the amino acid from a glutamine to a stop codon within coding exon 7. This alteration is expected to result in loss of function by premature protein truncation or nonsense-mediated mRNA decay. As such, this alteration is interpreted as a disease-causing mutation.

Literature cited by the submitters: PubMed 27908349 (cited by Labcorp Genetics (formerly Invitae), Labcorp).